The following is an entry in ClinVar:

ClinVar aggregate classification (germline): Uncertain significance (1 of 4 stars; one submission).

Conditions:
Inborn genetic diseases. Identifiers: MedGen C0950123, MeSH D030342.

Allele frequency attached by ClinVar (database versions not stated): TOPMed below 0.00001.

Submission:

Ambry Genetics
Classification: Uncertain significance for Inborn genetic diseases. Last evaluated: 2021-06-21. Review status: criteria provided, single submitter. Criteria: Ambry Variant Classification Scheme 2023. Collection method: clinical testing. Allele origin: germline.
Comment: The p.I752V variant (also known as c.2254A>G), located in coding exon 16 of the VCP gene, results from an A to G substitution at nucleotide position 2254. The isoleucine at codon 752 is replaced by valine, an amino acid with highly similar properties. This amino acid position is highly conserved in available vertebrate species. In addition, the in silico prediction for this alteration is inconclusive. Since supporting evidence is limited at this time, the clinical significance of this alteration remains unclear.

NM_007126.5(VCP):c.2254A>G (p.Ile752Val)

Gene: VCP (valosin containing protein; minus strand). Cytogenetic location: 9p13.3.
Variant type: single nucleotide variant.
Coding change: c.2254A>G on transcript NM_007126.5 (MANE Select); coding-DNA position 2254, A replaced by G.
Protein change: p.Ile752Val; replaces isoleucine 752 with valine.
Molecular consequence: missense variant.
Genome position (GRCh38, 1-based): chr9:35,057,437, T>C on the plus strand (A>G on the coding strand, the complement: VCP is on the minus strand). VCF-style: chr9-35057437-T-C. GRCh37 (hg19) VCF-style: chr9-35057434-T-C.
Other names: c.2119A>G, p.Ile707Val (NM_001354927.2, NM_001354928.2); short protein forms I752V, I707V.
Identifiers: ClinVar variation 1788487 (VCV001788487.2), dbSNP rs1828632309, ClinGen allele CA373269587.